The following is an entry in ClinVar:

ClinVar aggregate classification (germline): Likely benign (0 of 4 stars; one submission).

Conditions:
MBD6-related disorder. Also called: MBD6-related condition.

Allele frequency attached by ClinVar (database versions not stated): TOPMed below 0.00001; gnomAD 0.00001.
gnomAD v4.1: 2 of 1,547,258 alleles (0.00013%); highest among the groups gnomAD compares: Non-Finnish European, 0.00017%; no homozygotes.

Submission:

PreventionGenetics, part of Exact Sciences
Classification: Likely benign for MBD6-related condition. Last evaluated: 2019-09-05. Review status: no assertion criteria provided. Collection method: clinical testing. Allele origin: germline.
Comment: This variant is classified as likely benign based on ACMG/AMP sequence variant interpretation guidelines (Richards et al. 2015 PMID: 25741868, with internal and published modifications).

NM_052897.4(MBD6):c.2385C>G (p.Ala795=)

Gene: MBD6 (methyl-CpG binding domain protein 6; plus strand). Cytogenetic location: 12q13.3.
Variant type: single nucleotide variant.
Coding change: c.2385C>G on transcript NM_052897.4 (MANE Select); coding-DNA position 2385, C replaced by G.
Protein change: p.Ala795=; no amino-acid change (alanine 795 retained).
Molecular consequence: synonymous variant.
Genome position (GRCh38, 1-based): chr12:57,527,996, C>G. VCF-style: chr12-57527996-C-G. GRCh37 (hg19) VCF-style: chr12-57921779-C-G.
Identifiers: ClinVar variation 3053115 (VCV003053115.2), dbSNP rs780447457, ClinGen allele CA480397980.
Genomic context (GRCh38, chr12:57,527,996, plus strand): 5'-GCAGCTCCTCCCTGGGGGGGGAGCTCCTCCACCCCTCTCAGAGGCTTCTAGTCCCCTAGC[C>G]TGCCTGCTACAGAGTCTCCAGGTGAGGGTGTGGGCATATATTTGTCAGGGAGATAATTTT-3'
Protein context (NP_443129.3, residues 785-805): PPLSEASSPL[Ala795=]CLLQSLQIPP